The following is an entry in ClinVar:

NM_033380.3(COL4A5):c.4119_4126del (p.Gln1373fs)

Gene: COL4A5 (collagen type IV alpha 5 chain; plus strand). Cytogenetic location: Xq22.3.
Variant type: Deletion.
Coding change: c.4119_4126del on transcript NM_033380.3 (MANE Select); coding-DNA positions 4119 to 4126, 8 bases deleted (GAGTATCA; older notation c.4119_4126delGAGTATCA).
Protein change: p.Gln1373fs; shifts the reading frame from glutamine 1373.
Molecular consequence: frameshift variant.
Genome position (GRCh38, 1-based): chrX:108,681,791-108,681,798, GAGTATCA deleted; deleting any 8 consecutive bases within chrX:108,681,789-108,681,798 gives the same sequence; the c. name uses the placement nearest the transcript's 3' end. VCF-style (leftmost placement, unchanged base first): chrX-108681788-ACAGAGTAT-A. GRCh37 (hg19) VCF-style: chrX-107925018-ACAGAGTAT-A.
Other names: c.4101_4108del, p.Gln1367fs (NM_000495.5); short protein forms Q1367fs, Q1373fs.
Identifiers: ClinVar variation 975065 (VCV000975065.3), dbSNP rs2068436110, ClinGen allele CA1139667748.

ClinVar aggregate classification (germline): Pathogenic (1 of 4 stars; one submission).

Conditions:
X-linked Alport syndrome (ATS1). Also called: COL4A5-Related Nephropathy; NEPHROPATHY AND DEAFNESS, X-LINKED. Identifiers: Orphanet 63, Orphanet 88917, MedGen C4746986, MONDO:0010520, OMIM 301050.

Submission:

Victorian Clinical Genetics Services, Murdoch Childrens Research Institute
Classification: Pathogenic for X-linked Alport syndrome. Last evaluated: 2019-01-07. Review status: criteria provided, single submitter. Criteria: ACMG Guidelines, 2015. Collection method: clinical testing. Allele origin: unknown. Affected: yes.
Comment: A hemizygous frameshift deletion variant, NM_000495.4(COL4A5):c.4101_4108del, has been identified in exon 45 of 51 of the COL4A5 gene. This deletion is predicted to create a frameshift starting at amino acid position 1367, introducing a stop codon 3 residues downstream (NP_000486.1(COL4A5):p.(Gln1367Hisfs*3)). This variant is predicted to result in loss of protein function through nonsense-mediated decay, which is a reported mechanism of pathogenicity for this gene. This variant has not been previously reported in clinical cases. Many upstream and downstream variants resulting in a premature termination codon have been reported in patients with Alport syndrome (ClinVar). Based on the information available at the time of curation, this variant has been classified as PATHOGENIC.